The following is an entry in ClinVar:

NM_000094.4(COL7A1):c.3317T>G (p.Phe1106Cys)

Gene: COL7A1 (collagen type VII alpha 1 chain; minus strand). Cytogenetic location: 3p21.31.
Variant type: single nucleotide variant.
Coding change: c.3317T>G on transcript NM_000094.4 (MANE Select); coding-DNA position 3317, T replaced by G.
Protein change: p.Phe1106Cys; replaces phenylalanine 1106 with cysteine.
Molecular consequence: missense variant.
Genome position (GRCh38, 1-based): chr3:48,586,649, A>C on the plus strand (T>G on the coding strand, the complement: COL7A1 is on the minus strand). VCF-style: chr3-48586649-A-C. GRCh37 (hg19) VCF-style: chr3-48624082-A-C.
Other names: short protein forms F1106C.
Identifiers: ClinVar variation 2694242 (VCV002694242.3), dbSNP rs2531214570, ClinGen allele CA352707480.

ClinVar aggregate classification (germline): Uncertain significance (1 of 4 stars; one submission).

Submission:

Labcorp Genetics (formerly Invitae), Labcorp
Classification: Uncertain significance. Last evaluated: 2024-05-22. Review status: criteria provided, single submitter. Criteria: Invitae Variant Classification Sherloc (09022015). Collection method: clinical testing. Allele origin: germline.
Comment: This sequence change replaces phenylalanine, which is neutral and non-polar, with cysteine, which is neutral and slightly polar, at codon 1106 of the COL7A1 protein (p.Phe1106Cys). This variant is not present in population databases (gnomAD no frequency). This variant has not been reported in the literature in individuals affected with COL7A1-related conditions. Advanced modeling of protein sequence and biophysical properties (such as structural, functional, and spatial information, amino acid conservation, physicochemical variation, residue mobility, and thermodynamic stability) has been performed at Invitae for this missense variant, however the output from this modeling did not meet the statistical confidence thresholds required to predict the impact of this variant on COL7A1 protein function. In summary, the available evidence is currently insufficient to determine the role of this variant in disease. Therefore, it has been classified as a Variant of Uncertain Significance.